The following is an entry in ClinVar:

ClinVar aggregate classification (germline): Uncertain significance (1 of 4 stars; one submission).

Submission:

Labcorp Genetics (formerly Invitae), Labcorp
Classification: Uncertain significance. Last evaluated: 2024-12-04. Review status: criteria provided, single submitter. Criteria: Invitae Variant Classification Sherloc (09022015). Collection method: clinical testing. Allele origin: germline.
Comment: This sequence change replaces glutamic acid, which is acidic and polar, with lysine, which is basic and polar, at codon 2037 of the FAT2 protein (p.Glu2037Lys). This variant is not present in population databases (gnomAD no frequency). This variant has not been reported in the literature in individuals affected with FAT2-related conditions. Invitae Evidence Modeling of protein sequence and biophysical properties (such as structural, functional, and spatial information, amino acid conservation, physicochemical variation, residue mobility, and thermodynamic stability) indicates that this missense variant is not expected to disrupt FAT2 protein function with a negative predictive value of 80%. In summary, the available evidence is currently insufficient to determine the role of this variant in disease. Therefore, it has been classified as a Variant of Uncertain Significance.

NM_001447.3(FAT2):c.6109G>A (p.Glu2037Lys)

Genes: FAT2 (FAT atypical cadherin 2; minus strand), SLC36A1 (solute carrier family 36 member 1; plus strand). Cytogenetic location: 5q33.1.
Variant type: single nucleotide variant.
Coding change: c.6109G>A on transcript NM_001447.3 (MANE Select); coding-DNA position 6109, G replaced by A.
Protein change: p.Glu2037Lys; replaces glutamic acid 2037 with lysine.
Molecular consequence: missense variant.
Genome position (GRCh38, 1-based): chr5:151,545,018, C>T on the plus strand (G>A on the coding strand, the complement: FAT2 is on the minus strand). VCF-style: chr5-151545018-C-T. GRCh37 (hg19) VCF-style: chr5-150924579-C-T.
Other names: short protein forms E2037K.
Identifiers: ClinVar variation 3671724 (VCV003671724.2).